The following is an entry in ClinVar:

ClinVar aggregate classification (germline): Uncertain significance. Review status: criteria provided, single submitter (1 of 4 stars). 2 submissions from 2 submitters: Uncertain significance (1). 1 of the submissions does not count toward it. Last evaluated 2022-03-04.

Conditions:
Glycine encephalopathy. Also called: Nonketotic hyperglycinemia; Non-ketotic hyperglycinemia. Identifiers: Orphanet 407, MedGen C0751748, MONDO:0011612, HP:0008288.

Allele frequency attached by ClinVar (database versions not stated): TOPMed below 0.00001; ExAC 0.00001; gnomAD exomes 0.00001.
gnomAD v4.1: 20 of 1,612,424 alleles (0.0012%); highest among the groups gnomAD compares: Non-Finnish European, 0.0016%; no homozygotes.

Submissions (2):

Labcorp Genetics (formerly Invitae), Labcorp
Classification: Uncertain significance for Glycine encephalopathy. Last evaluated: 2022-03-04. Review status: criteria provided, single submitter. Criteria: Invitae Variant Classification Sherloc (09022015). Collection method: clinical testing. Allele origin: germline.
Comment: This sequence change replaces methionine, which is neutral and non-polar, with threonine, which is neutral and polar, at codon 731 of the GLDC protein (p.Met731Thr). This variant is present in population databases (rs763854673, gnomAD 0.002%). This variant has not been reported in the literature in individuals affected with GLDC-related conditions. ClinVar contains an entry for this variant (Variation ID: 1054737). Advanced modeling of protein sequence and biophysical properties (such as structural, functional, and spatial information, amino acid conservation, physicochemical variation, residue mobility, and thermodynamic stability) performed at Invitae indicates that this missense variant is expected to disrupt GLDC protein function. In summary, the available evidence is currently insufficient to determine the role of this variant in disease. Therefore, it has been classified as a Variant of Uncertain Significance.

Natera, Inc.
Classification: Uncertain significance for Non-ketotic hyperglycinemia. Last evaluated: 2020-03-11. Review status: no assertion criteria provided. Collection method: clinical testing. Allele origin: germline. Not counted in ClinVar's aggregate classification.

NM_000170.3(GLDC):c.2192T>C (p.Met731Thr)

Gene: GLDC (glycine decarboxylase; minus strand). Cytogenetic location: 9p24.1.
Variant type: single nucleotide variant.
Coding change: c.2192T>C on transcript NM_000170.3 (MANE Select); coding-DNA position 2192, T replaced by C.
Protein change: p.Met731Thr; replaces methionine 731 with threonine.
Molecular consequence: missense variant.
Genome position (GRCh38, 1-based): chr9:6,556,163, A>G on the plus strand (T>C on the coding strand, the complement: GLDC is on the minus strand). VCF-style: chr9-6556163-A-G. GRCh37 (hg19) VCF-style: chr9-6556163-A-G.
Other names: short protein forms M731T.
Identifiers: ClinVar variation 1054737 (VCV001054737.13), dbSNP rs763854673, ClinGen allele CA4980361.